The following is an entry in ClinVar:

ClinVar aggregate classification (germline): Uncertain significance (1 of 4 stars; one submission).

Conditions:
Neuropathy, hereditary sensory, type 1F. Also called: HSN IF; Hereditary sensory neuropathy type IF. Identifiers: Orphanet 36386, MedGen C3810194, MONDO:0014286, OMIM 615632.

Submission:

Labcorp Genetics (formerly Invitae), Labcorp
Classification: Uncertain significance for Neuropathy, hereditary sensory, type 1F. Last evaluated: 2022-06-10. Review status: criteria provided, single submitter. Criteria: Invitae Variant Classification Sherloc (09022015). Collection method: clinical testing. Allele origin: germline.
Comment: In summary, the available evidence is currently insufficient to determine the role of this variant in disease. Therefore, it has been classified as a Variant of Uncertain Significance. Experimental studies and prediction algorithms are not available or were not evaluated, and the functional significance of this variant is currently unknown. This variant has not been reported in the literature in individuals affected with ATL3-related conditions. This variant is not present in population databases (gnomAD no frequency). This variant, c.1199_1201del, results in the deletion of 1 amino acid(s) of the ATL3 protein (p.Lys400del), but otherwise preserves the integrity of the reading frame.

NM_015459.5(ATL3):c.1196AGA[1] (p.Lys400del)

Genes: LNCROPM (lncRNA regulator of PLAAT3 mediated phospholipid metabolism; plus strand), ATL3 (atlastin GTPase 3; minus strand), LOC126861231 (CDK7 strongly-dependent group 2 enhancer GRCh37_chr11:63398741-63399940; plus strand). Cytogenetic location: 11q13.1.
Variant type: Microsatellite.
Coding change: c.1196AGA[1] on transcript NM_015459.5 (MANE Select); one copy of the 3-base unit AGA starting at c.1196; the reference has two copies in a row; one copy, 3 bases deleted.
Protein change: p.Lys400del; deletes lysine 400.
Molecular consequence: inframe deletion.
Genome position (GRCh38, 1-based): chr11:63,631,378-63,631,380, TCT deleted on the plus strand (AGA on the coding strand, the reverse complement: ATL3 is on the minus strand); deleting any 3 consecutive bases within chr11:63,631,378-63,631,384 gives the same sequence; the position shown is the placement nearest the transcript's 3' end. VCF-style (leftmost placement, unchanged base first): chr11-63631377-GTCT-G. GRCh37 (hg19) VCF-style: chr11-63398849-GTCT-G.
Other names: c.1142AGA[1], p.Lys382del (NM_001290048.2); short protein forms K400del, K382del.
Identifiers: ClinVar variation 2004314 (VCV002004314.4), dbSNP rs2495621928, ClinGen allele CA2580615712.